The following is an entry in ClinVar:

NM_020778.5(ALPK3):c.4194G>C (p.Trp1398Cys)

Gene: ALPK3 (alpha kinase 3; plus strand). Cytogenetic location: 15q25.3.
Variant type: single nucleotide variant.
Coding change: c.4194G>C on transcript NM_020778.5 (MANE Select); coding-DNA position 4194, G replaced by C.
Protein change: p.Trp1398Cys; replaces tryptophan 1398 with cysteine.
Molecular consequence: missense variant.
Genome position (GRCh38, 1-based): chr15:84,862,699, G>C. VCF-style: chr15-84862699-G-C. GRCh37 (hg19) VCF-style: chr15-85405930-G-C.
Other names: short protein forms W1398C.
Identifiers: ClinVar variation 2870625 (VCV002870625.3), dbSNP rs780428798, ClinGen allele CA393362702.
Genomic context (GRCh38, chr15:84,862,699, plus strand): 5'-AGAAGAGATTGAGATGACCCCTATGGTGTTTGCTAAGGGTCTGGCTGACTCTGGCTGCTG[G>C]GGGGACAAGCTCTTTGGGCGACTGGTAAGCGAGGAGCTCCGAGGGGGTGGATATGGGTGT-3'
Protein context (NP_065829.4, residues 1388-1408): FAKGLADSGC[Trp1398Cys]GDKLFGRLVS

ClinVar aggregate classification (germline): Uncertain significance (1 of 4 stars; one submission).

Allele frequency attached by ClinVar (database versions not stated): TOPMed below 0.00001.

Submission:

Labcorp Genetics (formerly Invitae), Labcorp
Classification: Uncertain significance. Last evaluated: 2023-05-05. Review status: criteria provided, single submitter. Criteria: Invitae Variant Classification Sherloc (09022015). Collection method: clinical testing. Allele origin: germline.
Comment: An algorithm developed to predict the effect of missense changes on protein structure and function (PolyPhen-2) suggests that this variant is likely to be disruptive. This sequence change replaces tryptophan, which is neutral and slightly polar, with cysteine, which is neutral and slightly polar, at codon 1600 of the ALPK3 protein (p.Trp1600Cys). This variant is not present in population databases (gnomAD no frequency). This variant has not been reported in the literature in individuals affected with ALPK3-related conditions. In summary, the available evidence is currently insufficient to determine the role of this variant in disease. Therefore, it has been classified as a Variant of Uncertain Significance.